The following is an entry in ClinVar:

NM_002617.4(PEX10):c.838C>T (p.Arg280Cys)

Gene: PEX10 (peroxisomal biogenesis factor 10; minus strand). Cytogenetic location: 1p36.32.
Variant type: single nucleotide variant.
Coding change: c.838C>T on transcript NM_002617.4 (MANE Select); coding-DNA position 838, C replaced by T.
Protein change: p.Arg280Cys; replaces arginine 280 with cysteine.
Molecular consequence: missense variant. On other transcripts: non-coding transcript variant (1).
Genome position (GRCh38, 1-based): chr1:2,406,558, G>A on the plus strand (C>T on the coding strand, the complement: PEX10 is on the minus strand). VCF-style: chr1-2406558-G-A. GRCh37 (hg19) VCF-style: chr1-2337997-G-A.
Other names: c.895C>T, p.Arg299Cys (NM_001374425.1); c.463C>T, p.Arg155Cys (NM_001374426.1); c.406C>T, p.Arg136Cys (NM_001374427.1); c.898C>T, p.Arg300Cys (NM_153818.2); short protein forms R300C, R280C, R136C, R155C, R299C.
Identifiers: ClinVar variation 286808 (VCV000286808.8), dbSNP rs750424221, ClinGen allele CA537998.

ClinVar aggregate classification (germline): Uncertain significance. Review status: criteria provided, multiple submitters, no conflicts (2 of 4 stars). 3 submissions from 3 submitters: Uncertain significance (3). Last evaluated 2022-10-17.

Conditions:
Peroxisome biogenesis disorder 6A (Zellweger). Also called: Peroxisome biogenesis disorder 6A. Identifiers: Orphanet 912, MedGen C3553947, MONDO:0013936, OMIM 614870.
Peroxisome biogenesis disorder 6B (PBD6B). Identifiers: Orphanet 44, MedGen C3553948, MONDO:0013937, OMIM 614871.
Peroxisome biogenesis disorder, complementation group 7 (CG7). Also called: Peroxisome biogenesis disorder, complementation group B. Identifiers: MedGen C1864399.

Allele frequency attached by ClinVar (database versions not stated): gnomAD exomes below 0.00001; ExAC 0.00001; gnomAD 0.00001; TOPMed 0.00004.

Submissions (3):

Labcorp Genetics (formerly Invitae), Labcorp
Classification: Uncertain significance for Peroxisome biogenesis disorder, complementation group 7. Last evaluated: 2022-10-17. Review status: criteria provided, single submitter. Criteria: Invitae Variant Classification Sherloc (09022015). Collection method: clinical testing. Allele origin: germline.
Comment: This sequence change replaces arginine, which is basic and polar, with cysteine, which is neutral and slightly polar, at codon 300 of the PEX10 protein (p.Arg300Cys). This variant is present in population databases (rs750424221, gnomAD 0.01%). This variant has not been reported in the literature in individuals affected with PEX10-related conditions. ClinVar contains an entry for this variant (Variation ID: 286808). Algorithms developed to predict the effect of missense changes on protein structure and function (SIFT, PolyPhen-2, Align-GVGD) all suggest that this variant is likely to be disruptive. In summary, the available evidence is currently insufficient to determine the role of this variant in disease. Therefore, it has been classified as a Variant of Uncertain Significance.

Fulgent Genetics
Classification: Uncertain significance for Peroxisome biogenesis disorder 6A (Zellweger); Peroxisome biogenesis disorder 6B. Last evaluated: 2022-04-25. Review status: criteria provided, single submitter. Criteria: ACMG Guidelines, 2015. Collection method: clinical testing. Allele origin: unknown.

Eurofins Ntd Llc (ga)
Classification: Uncertain significance. Last evaluated: 2016-03-22. Review status: criteria provided, single submitter. Criteria: EGL Classification Definitions 2015. Collection method: clinical testing. Allele origin: germline. Observed: 1 variant allele, 1 heterozygote.